The following is an entry in ClinVar:

ClinVar aggregate classification (germline): Likely pathogenic. Review status: criteria provided, multiple submitters, no conflicts (2 of 4 stars). 3 submissions from 3 submitters: Likely pathogenic (2). 1 of the submissions does not count toward it. Last evaluated 2024-11-28.

Conditions:
Alport syndrome. Also called: Hemorrhagic familial nephritis; Hemorrhagic hereditary nephritis; Congenital hereditary hematuria. Identifiers: Orphanet 63, MedGen C1567741, MONDO:0018965.
Benign familial hematuria. Also called: thin basement membrane disease. Identifiers: MedGen C0241908, MONDO:0957317.
Autosomal recessive Alport syndrome (ATS2). Also called: COL4A4 Alport Syndrome and Thin Basement Membrane Nephropathy; ALPORT SYNDROME 2, AUTOSOMAL RECESSIVE; Alport syndrome type 2; COL4A3-Related Nephropathy. Identifiers: Orphanet 63, Orphanet 88919, MedGen C4746745, MONDO:0008762, OMIM 203780.

Submissions (3):

Victorian Clinical Genetics Services, Murdoch Childrens Research Institute
Classification: Likely pathogenic for Alport syndrome. Last evaluated: 2024-11-28. Review status: criteria provided, single submitter. Criteria: ACMG Guidelines, 2015. Collection method: clinical testing. Allele origin: germline. Affected: yes.
Comment: This variant is classified as Likely pathogenic. Evidence in support of pathogenic classification: Variant is present in gnomAD <0.01 (v4: 1 heterozygote(s), 0 homozygote(s)); This variant has limited previous evidence of pathogenicity in unrelated individual(s). This variant has been classified as likely pathogenic by clinical laboratories in ClinVar; Another missense variant comparable to the one identified in this case has limited previous evidence for pathogenicity. p.(Gly240Glu) has been classified as likely pathogenic by a clinical laboratory in ClinVar; Variant is located in the well-established functional Gly-X-Y motif (DECIPHER); Missense variant consistently predicted to be damaging by in silico tool or highly conserved with a major amino acid change. Additional information: Variant is predicted to result in a missense amino acid change from glycine to arginine; This variant is heterozygous; This gene is associated with both recessive and dominant disease. Alport syndrome typically has biallelic inheritance, although rare cases of monoallelic inheritance have been reported (PMID: 28704582). Thin basement membrane nephropathy (TBMN) and focal segmental glomerulosclerosis (FSGS) are associated with autosomal dominant inheritance (OMIM, PMIDs: 16467446, 17942953); No published segregation evidence has been identified for this variant; No published functional evidence has been identified for this variant; Loss of function is a known mechanism of disease for this gene and is associated with Alport syndrome. Dominant negative is a suspected mechanism of disease for this gene as it is a structural protein (PMIDs: 12028435, 24046192); Inheritance information for this variant is not currently available in this individual.

Fulgent Genetics
Classification: Likely pathogenic for Hematuria, benign familial, 1; Autosomal recessive Alport syndrome. Last evaluated: 2022-02-15. Review status: criteria provided, single submitter. Criteria: ACMG Guidelines, 2015. Collection method: clinical testing. Allele origin: unknown.

Bioscientia Institut fuer Medizinische Diagnostik GmbH, Sonic Healthcare
Classification: Likely pathogenic for Hematuria, benign familial, 1. Last evaluated: 2020-02-06. Review status: no assertion criteria provided. Collection method: clinical testing. Allele origin: germline. Affected: yes. Not counted in ClinVar's aggregate classification.

Literature cited by the submitters: PubMed 24046192 (cited by Victorian Clinical Genetics Services, Murdoch Childrens Research Institute); PubMed 16467446 (cited by Victorian Clinical Genetics Services, Murdoch Childrens Research Institute); PubMed 12028435 (cited by Victorian Clinical Genetics Services, Murdoch Childrens Research Institute); PubMed 28704582 (cited by Victorian Clinical Genetics Services, Murdoch Childrens Research Institute); PubMed 17942953 (cited by Victorian Clinical Genetics Services, Murdoch Childrens Research Institute).

NM_000092.5(COL4A4):c.718G>C (p.Gly240Arg)

Gene: COL4A4 (collagen type IV alpha 4 chain; minus strand). Cytogenetic location: 2q36.3.
Variant type: single nucleotide variant.
Coding change: c.718G>C on transcript NM_000092.5 (MANE Select); coding-DNA position 718, G replaced by C.
Protein change: p.Gly240Arg; replaces glycine 240 with arginine.
Molecular consequence: missense variant.
Genome position (GRCh38, 1-based): chr2:227,108,598, C>G on the plus strand (G>C on the coding strand, the complement: COL4A4 is on the minus strand). VCF-style: chr2-227108598-C-G. GRCh37 (hg19) VCF-style: chr2-227973314-C-G.
Other names: short protein forms G240R.
Identifiers: ClinVar variation 992427 (VCV000992427.5), dbSNP rs2060994526, ClinGen allele CA350859241.
Genomic context (GRCh38, chr2:227,108,598, plus strand): 5'-CACACGTCACCATCTGCTCCTCAGAGCAAGAGGGAATTCTTACCGGGTCTCCCATTTGCC[C>G]CTTTACTCCCACACCGGGATTTCCCTGAGAAAGAAATGAAAAAGAATCTAATTGCTTTTG-3'
Protein context (NP_000083.3, residues 230-250): LKGNPGVGVK[Gly240Arg]QMGDPGEVGQ